The following is an entry in ClinVar:

ClinVar aggregate classification (germline): Uncertain significance. Review status: criteria provided, multiple submitters, no conflicts (2 of 4 stars). 2 submissions from 2 submitters: Uncertain significance (2). Last evaluated 2024-08-21.

gnomAD v4.1: 1 of 1,613,676 alleles (0.000062%); no homozygotes.

Submissions (2):

Blueprint Genetics
Classification: Uncertain significance. Last evaluated: 2024-08-21. Review status: criteria provided, single submitter. Criteria: ACMG Guidelines, 2015. Collection method: clinical testing. Allele origin: germline.

Labcorp Genetics (formerly Invitae), Labcorp
Classification: Uncertain significance. Last evaluated: 2022-05-25. Review status: criteria provided, single submitter. Criteria: Invitae Variant Classification Sherloc (09022015). Collection method: clinical testing. Allele origin: germline.
Comment: In summary, the available evidence is currently insufficient to determine the role of this variant in disease. Therefore, it has been classified as a Variant of Uncertain Significance. Algorithms developed to predict the effect of missense changes on protein structure and function are either unavailable or do not agree on the potential impact of this missense change (SIFT: "Deleterious"; PolyPhen-2: "Probably Damaging"; Align-GVGD: "Class C15"). This variant has not been reported in the literature in individuals affected with PDE6B-related conditions. This variant is not present in population databases (gnomAD no frequency). This sequence change replaces serine, which is neutral and polar, with tryptophan, which is neutral and slightly polar, at codon 242 of the PDE6B protein (p.Ser242Trp).

NM_000283.4(PDE6B):c.725C>G (p.Ser242Trp)

Genes: PDE6B (phosphodiesterase 6B; plus strand), PDE6B-AS1 (PDE6B antisense RNA 1; minus strand). Cytogenetic location: 4p16.3.
Variant type: single nucleotide variant.
Coding change: c.725C>G on transcript NM_000283.4 (MANE Select); coding-DNA position 725, C replaced by G.
Protein change: p.Ser242Trp; replaces serine 242 with tryptophan.
Molecular consequence: missense variant. On other transcripts: 5 prime UTR variant (5).
Genome position (GRCh38, 1-based): chr4:653,865, C>G. VCF-style: chr4-653865-C-G. GRCh37 (hg19) VCF-style: chr4-647654-C-G.
Other names: c.725C>G, p.Ser242Trp (NM_001145291.2); c.-113C>G (NM_001145292.2, NM_001350154.3, NM_001379246.1 and 1 more transcripts); c.-316C>G (NM_001350155.3); short protein forms S242W.
Identifiers: ClinVar variation 1510584 (VCV001510584.7), dbSNP rs757587074, ClinGen allele CA355910669.